The following is an entry in ClinVar:

NM_002336.3(LRP6):c.2243A>G (p.Asp748Gly)

Gene: LRP6 (LDL receptor related protein 6; minus strand). Cytogenetic location: 12p13.2.
Variant type: single nucleotide variant.
Coding change: c.2243A>G on transcript NM_002336.3 (MANE Select); coding-DNA position 2243, A replaced by G.
Protein change: p.Asp748Gly; replaces aspartic acid 748 with glycine.
Molecular consequence: missense variant. On other transcripts: non-coding transcript variant (1).
Genome position (GRCh38, 1-based): chr12:12,162,229, T>C on the plus strand (A>G on the coding strand, the complement: LRP6 is on the minus strand). VCF-style: chr12-12162229-T-C. GRCh37 (hg19) VCF-style: chr12-12315163-T-C.
Other names: c.2243A>G, p.Asp748Gly (NM_001414244.1, NM_001414245.1, NM_001414246.1 and 4 more transcripts); c.2045A>G, p.Asp682Gly (NM_001414247.1); c.1790A>G, p.Asp597Gly (NM_001414252.1, NM_001414253.1, NM_001414254.1); c.1736A>G, p.Asp579Gly (NM_001414255.1); short protein forms D579G, D597G, D682G, D748G.
Identifiers: ClinVar variation 2772045 (VCV002772045.3), dbSNP rs1862758772, ClinGen allele CA383945284.

ClinVar aggregate classification (germline): Uncertain significance (1 of 4 stars; one submission).

Allele frequency attached by ClinVar (database versions not stated): TOPMed 0.00001.

Submission:

Labcorp Genetics (formerly Invitae), Labcorp
Classification: Uncertain significance. Last evaluated: 2023-10-27. Review status: criteria provided, single submitter. Criteria: Invitae Variant Classification Sherloc (09022015). Collection method: clinical testing. Allele origin: germline.
Comment: This sequence change replaces aspartic acid, which is acidic and polar, with glycine, which is neutral and non-polar, at codon 748 of the LRP6 protein (p.Asp748Gly). This variant is not present in population databases (gnomAD no frequency). This variant has not been reported in the literature in individuals affected with LRP6-related conditions. Advanced modeling of protein sequence and biophysical properties (such as structural, functional, and spatial information, amino acid conservation, physicochemical variation, residue mobility, and thermodynamic stability) has been performed at Invitae for this missense variant, however the output from this modeling did not meet the statistical confidence thresholds required to predict the impact of this variant on LRP6 protein function. In summary, the available evidence is currently insufficient to determine the role of this variant in disease. Therefore, it has been classified as a Variant of Uncertain Significance.